The following is an entry in ClinVar:

NM_001099857.5(IKBKG):c.358C>T (p.Gln120Ter)

Gene: IKBKG (inhibitor of nuclear factor kappa B kinase regulatory subunit gamma; plus strand). Cytogenetic location: Xq28.
Variant type: single nucleotide variant.
Coding change: c.358C>T on transcript NM_001099857.5 (MANE Select); coding-DNA position 358, C replaced by T.
Protein change: p.Gln120Ter; replaces glutamine 120 with a stop codon.
Molecular consequence: nonsense. On other transcripts: non-coding transcript variant (1).
Genome position (GRCh38, 1-based): chrX:154,556,335, C>T. VCF-style: chrX-154556335-C-T. GRCh37 (hg19) VCF-style: chrX-153784550-C-T.
Other names: c.562C>T, p.Gln188Ter (NM_001099856.6); c.358C>T, p.Gln120Ter (NM_001145255.4, NM_001321396.3, NM_001321397.3 and 5 more transcripts); short protein forms Q188*, Q120*.
Identifiers: ClinVar variation 932047 (VCV000932047.3), dbSNP rs2071063100, ClinGen allele CA415210292.
Genomic context (GRCh38, chrX:154,556,335, plus strand): 5'-GCCAGGAAACTGGTGGAGAGACTCGGCCTGGAGAAGCTCGATCTGAAGAGGCAGAAGGAG[C>T]AGGCTCTGCGGGAGGTGGAGCACCTGAAGAGATGCCAGCAGGTAGTCGGGGCAGGGCCAG-3'

ClinVar aggregate classification (germline): Pathogenic (1 of 4 stars; one submission).

Conditions:
Incontinentia pigmenti syndrome (IP). Also called: Incontinentia Pigmenti; INCONTINENTIA PIGMENTI, TYPE II; INCONTINENTIA PIGMENTI, FAMILIAL MALE-LETHAL TYPE; BLOCH-SULZBERGER SYNDROME. Identifiers: Orphanet 464, MedGen C0021171, MONDO:0010631, OMIM 308300.

Submission:

Centre for Mendelian Genomics, University Medical Centre Ljubljana
Classification: Pathogenic for Incontinentia pigmenti syndrome. Last evaluated: 2016-01-01. Review status: criteria provided, single submitter. Criteria: ACMG Guidelines, 2015. Collection method: clinical testing. Allele origin: unknown. Affected: yes.
Comment: This variant was classified as: Pathogenic. The following ACMG criteria were applied in classifying this variant: PVS1,PS1,PP4.